The following is an entry in ClinVar:

NM_144997.7(FLCN):c.913del (p.Glu305fs)

Gene: FLCN (folliculin; minus strand). Cytogenetic location: 17p11.2.
Variant type: Deletion.
Coding change: c.913del on transcript NM_144997.7 (MANE Select); coding-DNA position 913, one base deleted (G; older notation c.913delG).
Protein change: p.Glu305fs; shifts the reading frame from glutamic acid 305.
Molecular consequence: frameshift variant.
Genome position (GRCh38, 1-based): chr17:17,219,168, C deleted on the plus strand (G on the coding strand, the reverse complement: FLCN is on the minus strand). VCF-style (leftmost placement, unchanged base first): chr17-17219167-TC-T. GRCh37 (hg19) VCF-style: chr17-17122481-TC-T.
Other names: c.967del, p.Glu323fs (NM_001353229.2); c.913del, p.Glu305fs (NM_001353230.2, NM_001353231.2); short protein forms E323fs, E305fs.
Identifiers: ClinVar variation 935431 (VCV000935431.7), dbSNP rs2047014823, ClinGen allele CA1139665246.

ClinVar aggregate classification (germline): Pathogenic (1 of 4 stars; one submission).

Conditions:
Birt-Hogg-Dube syndrome. Also called: Birt Hogg Dubé syndrome. Identifiers: Orphanet 122, MedGen C0346010, MONDO:0800444.

Submission:

Labcorp Genetics (formerly Invitae), Labcorp
Classification: Pathogenic for Birt-Hogg-Dube syndrome. Last evaluated: 2019-07-08. Review status: criteria provided, single submitter. Criteria: Invitae Variant Classification Sherloc (09022015). Collection method: clinical testing. Allele origin: germline.
Comment: For these reasons, this variant has been classified as Pathogenic. Loss-of-function variants in FLCN are known to be pathogenic (PMID: 15852235). This variant has not been reported in the literature in individuals with FLCN-related conditions. This variant is not present in population databases (ExAC no frequency). This sequence change creates a premature translational stop signal (p.Glu305Lysfs*18) in the FLCN gene. It is expected to result in an absent or disrupted protein product.

Literature cited by the submitters: PubMed 15852235.